The following is an entry in ClinVar:

NM_001267550.2(TTN):c.903A>G (p.Pro301=)

Gene: TTN (titin; minus strand). Cytogenetic location: 2q31.2.
Variant type: single nucleotide variant.
Coding change: c.903A>G on transcript NM_001267550.2 (MANE Select); coding-DNA position 903, A replaced by G.
Protein change: p.Pro301=; no amino-acid change (proline 301 retained).
Molecular consequence: synonymous variant.
Genome position (GRCh38, 1-based): chr2:178,799,498, T>C on the plus strand (A>G on the coding strand, the complement: TTN is on the minus strand). VCF-style: chr2-178799498-T-C. GRCh37 (hg19) VCF-style: chr2-179664225-T-C.
Other names: c.903A>G, p.Pro301= (NM_001256850.1, NM_003319.4, NM_133378.4 and 3 more transcripts).
Identifiers: ClinVar variation 1711519 (VCV001711519.32), dbSNP rs2093944121, ClinGen allele CA430283231.
Genomic context (GRCh38, chr2:178,799,498, plus strand): 5'-ACCTAGTTCCAAAATGTGCAATAATCTGCTCTCTCTATGGCAGCTTTACCTGACCGGAGA[T>C]GGGGTCGGTGCCCGCACGTGTCTGACCGGGGAAGGGGAGTGTCTTATGGGCGATGGGGAC-3'
Protein context (NP_001254479.2, residues 291-311): SPVRHVRAPT[Pro301=]SPVRSVSPAA

ClinVar aggregate classification (germline): Likely benign. Review status: criteria provided, multiple submitters, no conflicts (2 of 4 stars). 2 submissions from 2 submitters: Likely benign (2). Last evaluated 2024-08-07.

Conditions:
Dilated cardiomyopathy 1G (CMD1G). Identifiers: Orphanet 154, MedGen C1858763, MONDO:0011400, OMIM 604145.
Autosomal recessive limb-girdle muscular dystrophy type 2J (LGMDR10). Also called: MUSCULAR DYSTROPHY, LIMB-GIRDLE, AUTOSOMAL RECESSIVE 10; Limb-girdle muscular dystrophy, type 2J. Identifiers: Orphanet 140922, MedGen C1837342, MONDO:0012127, OMIM 608807.

Allele frequency attached by ClinVar (database versions not stated): gnomAD exomes below 0.00001.
gnomAD v4.1: 2 of 1,614,106 alleles (0.00012%); highest among the groups gnomAD compares: East Asian, 0.0022%; no homozygotes.

Submissions (2):

Labcorp Genetics (formerly Invitae), Labcorp
Classification: Likely benign for Dilated cardiomyopathy 1G; Autosomal recessive limb-girdle muscular dystrophy type 2J. Last evaluated: 2024-08-07. Review status: criteria provided, single submitter. Criteria: Invitae Variant Classification Sherloc (09022015). Collection method: clinical testing. Allele origin: germline.

CeGaT Center for Human Genetics Tuebingen
Classification: Likely benign. Last evaluated: 2022-08-01. Review status: criteria provided, single submitter. Criteria: CeGaT Center For Human Genetics Tuebingen Variant Classification Criteria Version 2. Collection method: clinical testing. Allele origin: germline. Affected: yes. Observed: 2 variant alleles.
Comment: TTN: PM2:Supporting, BP4, BP7